The following is an entry in ClinVar:

ClinVar aggregate classification (germline): Likely benign. Review status: criteria provided, multiple submitters, no conflicts (2 of 4 stars). 2 submissions from 2 submitters: Likely benign (2). Last evaluated 2024-11-24.

Allele frequency attached by ClinVar (database versions not stated): TOPMed 0.00003; gnomAD 0.00005; gnomAD exomes 0.00007; ExAC 0.00015.
gnomAD v4.1: 114 of 1,611,522 alleles (0.0071%); highest among the groups gnomAD compares: Middle Eastern, 0.033%; no homozygotes.

Submissions (2):

Ambry Genetics
Classification: Likely benign. Last evaluated: 2024-11-24. Review status: criteria provided, single submitter. Criteria: Ambry Variant Classification Scheme 2023. Collection method: clinical testing. Allele origin: germline.

CeGaT Center for Human Genetics Tuebingen
Classification: Likely benign. Last evaluated: 2024-09-01. Review status: criteria provided, single submitter. Criteria: CeGaT Center For Human Genetics Tuebingen Variant Classification Criteria Version 2. Collection method: clinical testing. Allele origin: germline. Affected: yes. Observed: 1 variant allele.
Comment: ABCA13: BP4

NM_152701.5(ABCA13):c.2218T>C (p.Phe740Leu)

Gene: ABCA13 (ATP binding cassette subfamily A member 13; plus strand). Cytogenetic location: 7p12.3.
Variant type: single nucleotide variant.
Coding change: c.2218T>C on transcript NM_152701.5 (MANE Select); coding-DNA position 2218, T replaced by C.
Protein change: p.Phe740Leu; replaces phenylalanine 740 with leucine.
Molecular consequence: missense variant.
Genome position (GRCh38, 1-based): chr7:48,271,884, T>C. VCF-style: chr7-48271884-T-C. GRCh37 (hg19) VCF-style: chr7-48311481-T-C.
Other names: c.2218T>C (NM_152701.3); short protein forms F740L.
Identifiers: ClinVar variation 2673105 (VCV002673105.24), dbSNP rs776893226, ClinGen allele CA4256636.